The following is an entry in ClinVar:

NM_001985.3(ETFB):c.61C>T (p.Arg21Ter)

Gene: ETFB (electron transfer flavoprotein subunit beta; minus strand). Cytogenetic location: 19q13.41.
Variant type: single nucleotide variant.
Coding change: c.61C>T on transcript NM_001985.3 (MANE Select); coding-DNA position 61, C replaced by T.
Protein change: p.Arg21Ter; replaces arginine 21 with a stop codon.
Molecular consequence: nonsense.
Genome position (GRCh38, 1-based): chr19:51,354,305, G>A on the plus strand (C>T on the coding strand, the complement: ETFB is on the minus strand). VCF-style: chr19-51354305-G-A. GRCh37 (hg19) VCF-style: chr19-51857559-G-A.
Other names: c.334C>T, p.Arg112Ter (NM_001014763.1); short protein forms R112*, R21*.
Identifiers: ClinVar variation 2675092 (VCV002675092.6), dbSNP rs374288379, ClinGen allele CA9610876.

ClinVar aggregate classification (germline): Pathogenic/Likely pathogenic. Review status: criteria provided, multiple submitters, no conflicts (2 of 4 stars). 3 submissions from 3 submitters: Pathogenic (1); Likely pathogenic (2). Last evaluated 2025-08-21.

Conditions:
Multiple acyl-CoA dehydrogenase deficiency (MADD). Also called: ETHYLMALONIC-ADIPICACIDURIA; GA II; Glutaric Acidemia type 2; Glutaric aciduria, type 2; Glutaric acidemia type II; GA 2. Identifiers: Orphanet 26791, MedGen C0268596, MONDO:0009282, OMIM 231680.

Allele frequency attached by ClinVar (database versions not stated): gnomAD 0.00001; TOPMed 0.00001; ESP Exome Variant Server 0.00008.

Submissions (3):

Labcorp Genetics (formerly Invitae), Labcorp
Classification: Pathogenic for Multiple acyl-CoA dehydrogenase deficiency. Last evaluated: 2025-08-21. Review status: criteria provided, single submitter. Criteria: Invitae Variant Classification Sherloc (09022015). Collection method: clinical testing. Allele origin: germline.
Comment: This sequence change creates a premature translational stop signal (p.Arg21*) in the ETFB gene. It is expected to result in an absent or disrupted protein product. Loss-of-function variants in ETFB are known to be pathogenic (PMID: 16510302, 23785301). This variant is present in population databases (rs374288379, gnomAD 0.006%). This variant has not been reported in the literature in individuals affected with ETFB-related conditions. ClinVar contains an entry for this variant (Variation ID: 2675092). For these reasons, this variant has been classified as Pathogenic.

Baylor Genetics
Classification: Likely pathogenic for Multiple acyl-CoA dehydrogenase deficiency. Last evaluated: 2024-02-15. Review status: criteria provided, single submitter. Criteria: ACMG Guidelines, 2015. Collection method: clinical testing. Allele origin: unknown.

Revvity Omics, Revvity
Classification: Likely pathogenic for Multiple acyl-CoA dehydrogenase deficiency. Last evaluated: 2024-02-14. Review status: criteria provided, single submitter. Criteria: ACMG Guidelines, 2015. Collection method: clinical testing. Allele origin: germline.

Literature cited by the submitters: PubMed 16510302 (cited by Labcorp Genetics (formerly Invitae), Labcorp); PubMed 23785301 (cited by Labcorp Genetics (formerly Invitae), Labcorp).